The following is an entry in ClinVar:

ClinVar aggregate classification (germline): Benign/Likely benign. Review status: criteria provided, multiple submitters, no conflicts (2 of 4 stars). 3 submissions from 3 submitters: Benign (1); Likely benign (2). Last evaluated 2025-07-31.

Submissions (3):

Mayo Clinic Laboratories, Mayo Clinic
Classification: Likely benign. Last evaluated: 2025-07-31. Review status: criteria provided, single submitter. Criteria: ACMG Guidelines, 2015. Collection method: clinical testing. Allele origin: germline. Observed: 1 variant allele.
Comment: BS1, BP4

Blueprint Genetics
Classification: Likely benign. Last evaluated: 2024-09-23. Review status: criteria provided, single submitter. Criteria: ACMG Guidelines, 2015. Collection method: clinical testing. Allele origin: germline.

Women's Health and Genetics/Laboratory Corporation of America, LabCorp
Classification: Benign. Last evaluated: 2020-01-06. Review status: criteria provided, single submitter. Criteria: LabCorp Variant Classification Summary - May 2015. Collection method: clinical testing. Allele origin: germline.
Comment: Variant summary: CASQ2 c.738-10_738-5delTTTTTT alters a nucleotide located close to a canonical splice site and therefore could affect mRNA splicing, leading to a significantly altered protein sequence. 5/5 computational tools predict no significant impact on normal splicing. However, these predictions have yet to be confirmed by functional studies. The variant was absent in 179292 control chromosomes. However, the variant is located in a homopolymer region of 20 Ts, which is a highly polymorphic region. Therefore, suggesting the region is tolerable to changes in length of poly Ts. To our knowledge, no occurrence of c.738-10_738-5delTTTTTT in individuals affected with Arrhythmia and no experimental evidence demonstrating its impact on protein function have been reported. No clinical diagnostic laboratories have submitted clinical-significance assessments for this variant to ClinVar after 2014. Based on the evidence outlined above, the variant was classified as benign.

NM_001232.4(CASQ2):c.738-10_738-5del

Gene: CASQ2 (calsequestrin 2; minus strand). Cytogenetic location: 1p13.1.
Variant type: Deletion.
Coding change: c.738-10_738-5del on transcript NM_001232.4 (MANE Select); 10 bases into the intron before coding-DNA position 738 through 5 bases into the intron before coding-DNA position 738, 6 bases deleted (TTTTTT; older notation c.738-10_738-5delTTTTTT).
Molecular consequence: intron variant.
Genome position (GRCh38, 1-based): chr1:115,725,558-115,725,563, AAAAAA deleted on the plus strand (TTTTTT on the coding strand, the reverse complement: CASQ2 is on the minus strand); deleting any 6 consecutive bases within chr1:115,725,558-115,725,580 gives the same sequence; the c. name uses the placement nearest the transcript's 3' end. VCF-style (leftmost placement, unchanged base first): chr1-115725557-GAAAAAA-G. GRCh37 (hg19) VCF-style: chr1-116268178-GAAAAAA-G.
Other names: p.?; c.738-10_738-5del (NM_001232.3); c.738-10_738-5delTTTTTT (NM_001232.3).
Identifiers: ClinVar variation 917550 (VCV000917550.3), dbSNP rs56889721, ClinGen allele CA1023771.